The following is an entry in ClinVar:

NM_006088.6(TUBB4B):c.849G>A (p.Ala283=)

Gene: TUBB4B (tubulin beta 4B class IVb; plus strand). Cytogenetic location: 9q34.3.
Variant type: single nucleotide variant.
Coding change: c.849G>A on transcript NM_006088.6 (MANE Select); coding-DNA position 849, G replaced by A.
Protein change: p.Ala283=; no amino-acid change (alanine 283 retained).
Molecular consequence: synonymous variant.
Genome position (GRCh38, 1-based): chr9:137,243,067, G>A. VCF-style: chr9-137243067-G-A. GRCh37 (hg19) VCF-style: chr9-140137519-G-A.
Other names: c.849G>A (NM_006088.5).
Identifiers: ClinVar variation 2081675 (VCV002081675.6), dbSNP rs769479167, ClinGen allele CA5365416.

ClinVar aggregate classification (germline): Likely benign. Review status: criteria provided, multiple submitters, no conflicts (2 of 4 stars). 3 submissions from 3 submitters: Likely benign (3). Last evaluated 2026-09-15.

Conditions:
TUBB4B-related disorder. Also called: TUBB4B-related condition.

Allele frequency attached by ClinVar (database versions not stated): gnomAD 0.00001; gnomAD exomes 0.00001; ExAC 0.00002; TOPMed 0.00003.
gnomAD v4.1: 18 of 1,612,818 alleles (0.0011%); highest among the groups gnomAD compares: African/African-American, 0.0067%; no homozygotes.

Submissions (3):

PreventionGenetics, part of Exact Sciences
Classification: Likely benign for TUBB4B-related condition. Last evaluated: 2026-09-15. Review status: criteria provided, single submitter. Criteria: ACMG Guidelines, 2015. Collection method: clinical testing. Allele origin: germline.
Comment: This variant is classified as likely benign based on ACMG/AMP sequence variant interpretation guidelines (Richards et al. 2015 PMID: 25741868, with internal and published modifications).

Blueprint Genetics
Classification: Likely benign. Last evaluated: 2024-10-25. Review status: criteria provided, single submitter. Criteria: ACMG Guidelines, 2015. Collection method: clinical testing. Allele origin: germline.

Labcorp Genetics (formerly Invitae), Labcorp
Classification: Likely benign. Last evaluated: 2022-07-18. Review status: criteria provided, single submitter. Criteria: Invitae Variant Classification Sherloc (09022015). Collection method: clinical testing. Allele origin: germline.